The following is an entry in ClinVar:

NM_001042492.3(NF1):c.5534T>G (p.Ile1845Ser)

Gene: NF1 (neurofibromin 1; plus strand). Cytogenetic location: 17q11.2.
Variant type: single nucleotide variant.
Coding change: c.5534T>G on transcript NM_001042492.3 (MANE Select); coding-DNA position 5534, T replaced by G.
Protein change: p.Ile1845Ser; replaces isoleucine 1845 with serine.
Molecular consequence: missense variant.
Genome position (GRCh38, 1-based): chr17:31,327,764, T>G. VCF-style: chr17-31327764-T-G. GRCh37 (hg19) VCF-style: chr17-29654782-T-G.
Other names: c.5471T>G, p.Ile1824Ser (NM_000267.4); short protein forms I1845S, I1824S.
Identifiers: ClinVar variation 404550 (VCV000404550.8), dbSNP rs1060500339, ClinGen allele CA16615538.

ClinVar aggregate classification (germline): Pathogenic/Likely pathogenic. Review status: criteria provided, multiple submitters, no conflicts (2 of 4 stars). 3 submissions from 3 submitters: Pathogenic (2); Likely pathogenic (1). Last evaluated 2025-09-25.

Conditions:
Neurofibromatosis, type 1 (NF1). Also called: NEUROFIBROMATOSIS, TYPE I, SOMATIC; Peripheral type neurofibromatosis; Neurofibromatosis, type I; VON RECKLINGHAUSEN DISEASE. Identifiers: Orphanet 636, MedGen C0027831, MONDO:0018975, OMIM 162200. Disease mechanism: loss of function.

Submissions (3):

NHS Central & South Genomic Laboratory Hub
Classification: Likely pathogenic for Neurofibromatosis type 1. Last evaluated: 2025-09-25. Review status: criteria provided, single submitter. Criteria: ACMG Guidelines, 2015. Collection method: clinical testing. Allele origin: germline. Affected: yes.

GeneDx
Classification: Pathogenic. Last evaluated: 2024-11-18. Review status: criteria provided, single submitter. Criteria: GeneDx Variant Classification Process June 2021. Collection method: clinical testing. Allele origin: germline.
Comment: Not observed at significant frequency in large population cohorts (gnomAD); In silico analysis supports that this missense variant has a deleterious effect on protein structure/function; This variant is associated with the following publications: (PMID: 34737188, 34944956, 18041031)

Labcorp Genetics (formerly Invitae), Labcorp
Classification: Pathogenic for Neurofibromatosis, type 1. Last evaluated: 2022-01-19. Review status: criteria provided, single submitter. Criteria: Invitae Variant Classification Sherloc (09022015). Collection method: clinical testing. Allele origin: germline.
Comment: For these reasons, this variant has been classified as Pathogenic. This variant disrupts the p.Ile1824 amino acid residue in NF1. Other variant(s) that disrupt this residue have been determined to be pathogenic (Invitae). This suggests that this residue is clinically significant, and that variants that disrupt this residue are likely to be disease-causing. Advanced modeling of protein sequence and biophysical properties (such as structural, functional, and spatial information, amino acid conservation, physicochemical variation, residue mobility, and thermodynamic stability) performed at Invitae indicates that this missense variant is expected to disrupt NF1 protein function. ClinVar contains an entry for this variant (Variation ID: 404550). This missense change has been observed in individual(s) with neurofibromatosis type 1 (PMID: 18041031). This variant is not present in population databases (gnomAD no frequency). This sequence change replaces isoleucine, which is neutral and non-polar, with serine, which is neutral and polar, at codon 1824 of the NF1 protein (p.Ile1824Ser).

Literature cited by the submitters: PubMed 18041031 (cited by Labcorp Genetics (formerly Invitae), Labcorp).